The following is an entry in ClinVar:

ClinVar aggregate classification (germline): Likely benign. Review status: criteria provided, multiple submitters, no conflicts (2 of 4 stars). 2 submissions from 2 submitters: Likely benign (2). Last evaluated 2025-03-19.

Allele frequency attached by ClinVar (database versions not stated): gnomAD 0.00001; gnomAD exomes 0.00002 and 0.00005.
gnomAD v4.1: 64 of 1,533,646 alleles (0.0042%); highest among the groups gnomAD compares: Non-Finnish European, 0.0056%; no homozygotes.

Submissions (2):

Labcorp Genetics (formerly Invitae), Labcorp
Classification: Likely benign. Last evaluated: 2025-03-19. Review status: criteria provided, single submitter. Criteria: Invitae Variant Classification Sherloc (09022015). Collection method: clinical testing. Allele origin: germline.

Center for Pediatric Genomic Medicine, Children's Mercy Hospital and Clinics
Classification: Likely benign. Last evaluated: 2016-09-12. Review status: criteria provided, single submitter. Criteria: ACMG Guidelines, 2015. Collection method: clinical testing. Allele origin: germline.
ClinVar note: Converted during submission from Likely Benign to Likely benign.

NM_001374828.1(ARID1B):c.350T>C (p.Leu117Pro)

Genes: ARID1B (AT-rich interaction domain 1B; plus strand), LOC115308161 (uncharacterized LOC115308161; minus strand). Cytogenetic location: 6q25.3.
Variant type: single nucleotide variant.
Coding change: c.350T>C on transcript NM_001374828.1 (MANE Select); coding-DNA position 350, T replaced by C.
Protein change: p.Leu117Pro; replaces leucine 117 with proline.
Molecular consequence: missense variant.
Genome position (GRCh38, 1-based): chr6:156,778,030, T>C. VCF-style: chr6-156778030-T-C. GRCh37 (hg19) VCF-style: chr6-157099164-T-C.
Other names: c.350T>C, p.Leu117Pro (NM_001371656.1, NM_001374820.1, NM_017519.3); short protein forms L117P.
Identifiers: ClinVar variation 377123 (VCV000377123.4), dbSNP rs1057520140, ClinGen allele CA16603276.